The following is an entry in ClinVar:

ClinVar aggregate classification (germline): Benign. Review status: criteria provided, multiple submitters, no conflicts (2 of 4 stars). 2 submissions from 2 submitters: Benign (2). Last evaluated 2024-01-24.

Submissions (2):

Unidad de Genómica Garrahan, Hospital de Pediatría Garrahan
Classification: Benign. Last evaluated: 2024-01-24. Review status: criteria provided, single submitter. Criteria: ACMG Guidelines, 2015. Collection method: clinical testing. Allele origin: germline. Affected: no. Observed: 19 variant alleles.
Comment: This variant is classified as Benign based on local population frequency. This variant was detected in 20% of patients studied by a panel of primary immunodeficiencies. Number of patients: 19. Only high quality variants are reported.

GeneDx
Classification: Benign. Last evaluated: 2021-05-12. Review status: criteria provided, single submitter. Criteria: GeneDx Variant Classification Process June 2021. Collection method: clinical testing. Allele origin: germline. Affected: yes.

NM_017671.5(FERMT1):c.1861-49del

Gene: FERMT1 (FERM domain containing kindlin 1; minus strand). Cytogenetic location: 20p12.3.
Variant type: Deletion.
Coding change: c.1861-49del on transcript NM_017671.5 (MANE Select); 49 bases into the intron before coding-DNA position 1861, one base deleted (T; older notation c.1861-49delT).
Molecular consequence: intron variant.
Genome position (GRCh38, 1-based): chr20:6,077,395, A deleted on the plus strand (T on the coding strand, the reverse complement: FERMT1 is on the minus strand); the first of 9 consecutive A bases (chr20:6,077,395-6,077,403); deleting any one gives the same sequence. VCF-style (leftmost placement, unchanged base first): chr20-6077394-GA-G. GRCh37 (hg19) VCF-style: chr20-6058041-GA-G.
Identifiers: ClinVar variation 1250067 (VCV001250067.4), dbSNP rs35637712, ClinGen allele CA9758008.